The following is an entry in ClinVar:

ClinVar aggregate classification (germline): Pathogenic (1 of 4 stars; one submission).

Conditions:
Cohen syndrome (COH1). Also called: Cutis verticis gyrata, retinitis pigmentosa, and sensorineural deafness; PEPPER SYNDROME. Identifiers: Orphanet 193, MedGen C0265223, MONDO:0008999, OMIM 216550.

Submission:

Labcorp Genetics (formerly Invitae), Labcorp
Classification: Pathogenic for Cohen syndrome. Last evaluated: 2022-06-13. Review status: criteria provided, single submitter. Criteria: Invitae Variant Classification Sherloc (09022015). Collection method: clinical testing. Allele origin: germline.
Comment: This variant is a gross deletion of the genomic region encompassing exon(s) 61 of the VPS13B gene. While this deletion is not anticipated to lead to nonsense mediated decay, it is expected to disrupt the C-terminus of the protein. This variant has not been reported in the literature in individuals affected with VPS13B-related conditions. For these reasons, this variant has been classified as Pathogenic. This variant disrupts a region of the VPS13B protein in which other variant(s) (p.Lys3991Leufs*23) have been determined to be pathogenic (Invitae). This suggests that this is a clinically significant region of the protein, and that variants that disrupt it are likely to be disease-causing.

NC_000008.10:g.(?_100883666)_(100883935_?)del

Gene: VPS13B (vacuolar protein sorting 13 homolog B; plus strand). Cytogenetic location: 8q22.2.
Variant type: Deletion.
Identifiers: ClinVar variation 2426373 (VCV002426373.4).